The following is an entry in ClinVar:

ClinVar aggregate classification (germline): Likely pathogenic (1 of 4 stars; one submission).

Submission:

CeGaT Center for Human Genetics Tuebingen
Classification: Likely pathogenic. Last evaluated: 2025-04-01. Review status: criteria provided, single submitter. Criteria: CeGaT Center For Human Genetics Tuebingen Variant Classification Criteria Version 2. Collection method: clinical testing. Allele origin: germline. Affected: yes. Observed: 1 variant allele.
Comment: IRF6: PM1, PM2, PM5, PP2, PP3

NM_006147.4(IRF6):c.116C>A (p.Pro39His)

Gene: IRF6 (interferon regulatory factor 6; minus strand). Cytogenetic location: 1q32.2.
Variant type: single nucleotide variant.
Coding change: c.116C>A on transcript NM_006147.4 (MANE Select); coding-DNA position 116, C replaced by A.
Protein change: p.Pro39His; replaces proline 39 with histidine.
Molecular consequence: missense variant. On other transcripts: intron variant (1).
Genome position (GRCh38, 1-based): chr1:209,801,298, G>T on the plus strand (C>A on the coding strand, the complement: IRF6 is on the minus strand). VCF-style: chr1-209801298-G-T. GRCh37 (hg19) VCF-style: chr1-209974643-G-T.
Other names: c.-112+4649C>A (NM_001206696.2); short protein forms P39H.
Identifiers: ClinVar variation 3898627 (VCV003898627.7).